The following is an entry in ClinVar:

NM_017739.4(POMGNT1):c.418A>G (p.Thr140Ala)

Genes: POMGNT1 (protein O-linked mannose N-acetylglucosaminyltransferase 1 (beta 1,2-); minus strand), TSPAN1 (tetraspanin 1; plus strand). Cytogenetic location: 1p34.1.
Variant type: single nucleotide variant.
Coding change: c.418A>G on transcript NM_017739.4 (MANE Select); coding-DNA position 418, A replaced by G.
Protein change: p.Thr140Ala; replaces threonine 140 with alanine.
Molecular consequence: missense variant. On other transcripts: 5 prime UTR variant (1).
Genome position (GRCh38, 1-based): chr1:46,196,014, T>C on the plus strand (A>G on the coding strand, the complement: POMGNT1 is on the minus strand). VCF-style: chr1-46196014-T-C. GRCh37 (hg19) VCF-style: chr1-46661686-T-C.
Other names: c.352A>G, p.Thr118Ala (NM_001290129.3); c.-12A>G (NM_001290130.2); c.418A>G, p.Thr140Ala (NM_001410783.1, NM_001243766.2); short protein forms T140A, T118A.
Identifiers: ClinVar variation 284117 (VCV000284117.7), dbSNP rs886042796, ClinGen allele CA10604693.

ClinVar aggregate classification (germline): Uncertain significance. Review status: criteria provided, multiple submitters, no conflicts (2 of 4 stars). 2 submissions from 2 submitters: Uncertain significance (2). Last evaluated 2021-12-03.

Conditions:
Muscular dystrophy-dystroglycanopathy (congenital with impaired intellectual development), type B, 3. Also called: Muscular dystrophy-dystroglycanopathy (congenital with intellectual disability), type B3; MUSCULAR DYSTROPHY, CONGENITAL, POMGNT1-RELATED. Identifiers: MedGen C3150412, MONDO:0013155, OMIM 613151.
Autosomal recessive limb-girdle muscular dystrophy type 2O. Also called: MUSCULAR DYSTROPHY-DYSTROGLYCANOPATHY, LIMB-GIRDLE, POMGNT1-RELATED; Limb-Girdle Muscular Dystrophy Type 3C; MUSCULAR DYSTROPHY-DYSTROGLYCANOPATHY (LIMB-GIRDLE), TYPE C, 3. Identifiers: Orphanet 206564, MedGen C3150417, MONDO:0013161, OMIM 613157.

Allele frequency attached by ClinVar (database versions not stated): gnomAD exomes below 0.00001; gnomAD 0.00001; TOPMed below 0.00001.
gnomAD v4.1: 2 of 1,613,940 alleles (0.00012%); highest among the groups gnomAD compares: Non-Finnish European, 0.00017%; no homozygotes.

Submissions (2):

Labcorp Genetics (formerly Invitae), Labcorp
Classification: Uncertain significance for Autosomal recessive limb-girdle muscular dystrophy type 2O; Muscular dystrophy-dystroglycanopathy (congenital with impaired intellectual development), type B, 3. Last evaluated: 2021-12-03. Review status: criteria provided, single submitter. Criteria: Invitae Variant Classification Sherloc (09022015). Collection method: clinical testing. Allele origin: germline.
Comment: This sequence change replaces threonine, which is neutral and polar, with alanine, which is neutral and non-polar, at codon 140 of the POMGNT1 protein (p.Thr140Ala). This variant is not present in population databases (gnomAD no frequency). This variant has not been reported in the literature in individuals affected with POMGNT1-related conditions. ClinVar contains an entry for this variant (Variation ID: 284117). Algorithms developed to predict the effect of missense changes on protein structure and function (SIFT, PolyPhen-2, Align-GVGD) all suggest that this variant is likely to be disruptive. In summary, the available evidence is currently insufficient to determine the role of this variant in disease. Therefore, it has been classified as a Variant of Uncertain Significance.

Eurofins Ntd Llc (ga)
Classification: Uncertain significance. Last evaluated: 2015-10-26. Review status: criteria provided, single submitter. Criteria: EGL Classification Definitions 2015. Collection method: clinical testing. Allele origin: germline. Observed: 1 variant allele, 1 heterozygote.